The following is an entry in ClinVar:

NM_001122630.2(CDKN1C):c.-1G>T

Gene: CDKN1C (cyclin dependent kinase inhibitor 1C; minus strand). Cytogenetic location: 11p15.4.
Variant type: single nucleotide variant.
Coding change: c.-1G>T on transcript NM_001122630.2 (MANE Select); 1 bases upstream of the start codon, G replaced by T.
Molecular consequence: 5 prime UTR variant. On other transcripts: synonymous variant (2).
Genome position (GRCh38, 1-based): chr11:2,885,457, C>A on the plus strand (G>T on the coding strand, the complement: CDKN1C is on the minus strand). VCF-style: chr11-2885457-C-A. GRCh37 (hg19) VCF-style: chr11-2906687-C-A.
Other names: c.33G>T, p.Thr11= (NM_000076.2, NM_001362474.2); c.-1G>T (NM_001122631.2, NM_001362475.2).
Identifiers: ClinVar variation 412860 (VCV000412860.27), dbSNP rs780549417, ClinGen allele CA5822250.

ClinVar aggregate classification (germline): Likely benign. Review status: criteria provided, multiple submitters, no conflicts (2 of 4 stars). 3 submissions from 3 submitters: Likely benign (3). Last evaluated 2025-03-05.

Conditions:
Beckwith-Wiedemann syndrome (BWS). Also called: EMG SYNDROME; Exomphalos macroglossia gigantism syndrome. Identifiers: Orphanet 116, MedGen C0004903, MONDO:0007534, OMIM 130650.

Allele frequency attached by ClinVar (database versions not stated): ExAC below 0.00001; TOPMed 0.00003; gnomAD exomes 0.00005; gnomAD 0.00007 and 0.00008.
gnomAD v4.1: 87 of 1,546,022 alleles (0.0056%); highest among the groups gnomAD compares: Non-Finnish European, 0.0068%; no homozygotes.

Submissions (3):

Labcorp Genetics (formerly Invitae), Labcorp
Classification: Likely benign for Beckwith-Wiedemann syndrome. Last evaluated: 2025-03-05. Review status: criteria provided, single submitter. Criteria: Invitae Variant Classification Sherloc (09022015). Collection method: clinical testing. Allele origin: germline.

CeGaT Center for Human Genetics Tuebingen
Classification: Likely benign. Last evaluated: 2024-11-01. Review status: criteria provided, single submitter. Criteria: CeGaT Center For Human Genetics Tuebingen Variant Classification Criteria Version 2. Collection method: clinical testing. Allele origin: germline. Affected: yes. Observed: 1 variant allele.
Comment: CDKN1C: BP4

Blueprint Genetics
Classification: Likely benign. Last evaluated: 2024-07-11. Review status: criteria provided, single submitter. Criteria: ACMG Guidelines, 2015. Collection method: clinical testing. Allele origin: germline.